The following is an entry in ClinVar:

ClinVar aggregate classification (germline): Conflicting classifications of pathogenicity. Review status: criteria provided, conflicting classifications (1 of 4 stars). 7 submissions from 6 submitters: Uncertain significance (3); Likely benign (3). 1 of the submissions does not count toward it. Last evaluated 2026-09-16.

Conditions:
Nephronophthisis 4 (NPHP4). Also called: NEPHRONOPHTHISIS 4, JUVENILE. Identifiers: Orphanet 655, MedGen C1847013, MONDO:0011752, OMIM 606966.
Senior-Loken syndrome 4 (SLSN4). Identifiers: Orphanet 3156, MedGen C1846979, MONDO:0011756, OMIM 606996.
NPHP4-related disorder. Also called: NPHP4-related disorders; NPHP4-related condition. Identifiers: MedGen CN239384.
Nephronophthisis. Also called: Juvenile Nephronophthisis. Identifiers: Orphanet 655, MedGen C0687120, MONDO:0019005, HP:0000090.
Retinal dystrophy. Also called: Inherited retinal dystrophy. Identifiers: Orphanet 71862, MedGen C0854723, MeSH D058499, MONDO:0019118, HP:0000556.

Allele frequency attached by ClinVar (database versions not stated): 1000 Genomes Project 30x 0.00016; 1000 Genomes Project 0.00020; gnomAD exomes 0.00030; ESP Exome Variant Server 0.00033; gnomAD 0.00033 and 0.00034; TOPMed 0.00035; ExAC 0.00046.
gnomAD v4.1: 781 of 1,609,922 alleles (0.049%); highest among the groups gnomAD compares: Non-Finnish European, 0.062%; no homozygotes.

Submissions (7):

PreventionGenetics, part of Exact Sciences
Classification: Likely benign for NPHP4-related condition. Last evaluated: 2026-09-16. Review status: criteria provided, single submitter. Criteria: ACMG Guidelines, 2015. Collection method: clinical testing. Allele origin: germline.
Comment: This variant is classified as likely benign based on ACMG/AMP sequence variant interpretation guidelines (Richards et al. 2015 PMID: 25741868, with internal and published modifications).

Labcorp Genetics (formerly Invitae), Labcorp
Classification: Likely benign for Nephronophthisis. Last evaluated: 2025-12-01. Review status: criteria provided, single submitter. Criteria: Invitae Variant Classification Sherloc (09022015). Collection method: clinical testing. Allele origin: germline.

Blueprint Genetics
Classification: Likely benign. Last evaluated: 2024-11-01. Review status: criteria provided, single submitter. Criteria: ACMG Guidelines, 2015. Collection method: clinical testing. Allele origin: germline.

Eurofins Ntd Llc (ga)
Classification: Uncertain significance. Last evaluated: 2017-10-13. Review status: criteria provided, single submitter. Criteria: EGL Classification Definitions 2015. Collection method: clinical testing. Allele origin: germline. Observed: 1 variant allele, 1 heterozygote.

Illumina Laboratory Services, Illumina
Classification: Uncertain significance for Senior-Loken syndrome 4. Last evaluated: 2017-04-27. Review status: criteria provided, single submitter. Criteria: ICSL Variant Classification Criteria 13 December 2019. Collection method: clinical testing. Allele origin: germline.

Illumina Laboratory Services, Illumina
Classification: Uncertain significance for Nephronophthisis 4. Last evaluated: 2017-04-27. Review status: criteria provided, single submitter. Criteria: ICSL Variant Classification Criteria 13 December 2019. Collection method: clinical testing. Allele origin: germline.

Institute of Human Genetics, Univ. Regensburg, Univ. Regensburg
Classification: Uncertain significance for Retinal dystrophy. Last evaluated: 2022-01-01. Review status: no assertion criteria provided. Criteria: ACMG Guidelines, 2015. Collection method: clinical testing. Allele origin: germline. Affected: yes. Not counted in ClinVar's aggregate classification.

NM_015102.5(NPHP4):c.2485+9C>A

Gene: NPHP4 (nephrocystin 4; minus strand). Cytogenetic location: 1p36.31.
Variant type: single nucleotide variant.
Coding change: c.2485+9C>A on transcript NM_015102.5 (MANE Select); 9 bases into the intron after coding-DNA position 2485, C replaced by A.
Molecular consequence: intron variant.
Genome position (GRCh38, 1-based): chr1:5,887,277, G>T on the plus strand (C>A on the coding strand, the complement: NPHP4 is on the minus strand). VCF-style: chr1-5887277-G-T. GRCh37 (hg19) VCF-style: chr1-5947337-G-T.
Other names: c.949+9C>A (NM_001291594.2); c.946+9C>A (NM_001291593.2).
Identifiers: ClinVar variation 594329 (VCV000594329.22), dbSNP rs200952409, ClinGen allele CA554108.